The following is an entry in ClinVar:

ClinVar aggregate classification (germline): Uncertain significance. Review status: criteria provided, multiple submitters, no conflicts (2 of 4 stars). 6 submissions from 6 submitters: Uncertain significance (5). 1 of the submissions does not count toward it. Last evaluated 2024-09-27.

Conditions:
Hereditary cancer-predisposing syndrome. Also called: Hereditary Cancer Syndrome; Tumor predisposition; Neoplastic Syndromes, Hereditary; Hereditary neoplastic syndrome. Identifiers: Orphanet 140162, MedGen C0027672, MeSH D009386, MONDO:0015356.
Fanconi anemia (FA). Also called: Fanconi's anemia. Identifiers: Orphanet 84, MedGen C0015625, MeSH D005199, MONDO:0019391.
Fanconi anemia complementation group C (FANCC). Also called: FANCC-Related Fanconi Anemia; Fanconi anemia, group C; FANCONI PANCYTOPENIA, TYPE 3; FACC. Identifiers: Orphanet 84, MedGen C3468041, MONDO:0009213, OMIM 227645.

Allele frequency attached by ClinVar (database versions not stated): gnomAD exomes 0.00001; gnomAD 0.00003; TOPMed 0.00002.
gnomAD v4.1: 21 of 1,613,964 alleles (0.0013%); highest among the groups gnomAD compares: East Asian, 0.0022%; no homozygotes.

Submissions (6):

Labcorp Genetics (formerly Invitae), Labcorp
Classification: Uncertain significance for Fanconi anemia. Last evaluated: 2024-09-27. Review status: criteria provided, single submitter. Criteria: Invitae Variant Classification Sherloc (09022015). Collection method: clinical testing. Allele origin: germline.
Comment: This sequence change replaces arginine, which is basic and polar, with glutamine, which is neutral and polar, at codon 548 of the FANCC protein (p.Arg548Gln). This variant is present in population databases (rs730881729, gnomAD 0.007%). This variant has not been reported in the literature in individuals affected with FANCC-related conditions. ClinVar contains an entry for this variant (Variation ID: 182492). Invitae Evidence Modeling of protein sequence and biophysical properties (such as structural, functional, and spatial information, amino acid conservation, physicochemical variation, residue mobility, and thermodynamic stability) indicates that this missense variant is not expected to disrupt FANCC protein function with a negative predictive value of 80%. In summary, the available evidence is currently insufficient to determine the role of this variant in disease. Therefore, it has been classified as a Variant of Uncertain Significance.

Ambry Genetics
Classification: Uncertain significance for Hereditary cancer-predisposing syndrome. Last evaluated: 2024-02-24. Review status: criteria provided, single submitter. Criteria: Ambry Variant Classification Scheme 2023. Collection method: clinical testing. Allele origin: germline.
Comment: The p.R548Q variant (also known as c.1643G>A), located in coding exon 14 of the FANCC gene, results from a G to A substitution at nucleotide position 1643. The arginine at codon 548 is replaced by glutamine, an amino acid with highly similar properties. This amino acid position is well conserved in available vertebrate species. In addition, this alteration is predicted to be tolerated by in silico analysis. Since supporting evidence is limited at this time, the clinical significance of this alteration remains unclear.

GeneDx
Classification: Uncertain significance. Last evaluated: 2023-07-24. Review status: criteria provided, single submitter. Criteria: GeneDx Variant Classification Process June 2021. Collection method: clinical testing. Allele origin: germline. Affected: yes.
Comment: Not observed at significant frequency in large population cohorts (gnomAD); In silico analysis supports that this missense variant does not alter protein structure/function; Has not been previously published as pathogenic or benign to our knowledge

St. Jude Molecular Pathology, St. Jude Children's Research Hospital
Classification: Uncertain significance for Fanconi anemia complementation group C. Last evaluated: 2022-12-06. Review status: criteria provided, single submitter. Criteria: St. Jude Assertion Criteria 2020. Collection method: clinical testing. Allele origin: germline.
Comment: The FANCC c.1643G>A (p.Arg548Gln) missense change has a maximum subpopulation frequency of 0.0065% in gnomAD v2.1.1. The in silico tool REVEL predicts a benign effect on protein function, but to our knowledge this prediction has not been confirmed by functional studies. To our knowledge, this variant has not been reported in individuals with Fanconi anemia. In summary, the evidence currently available is insufficient to determine the clinical significance of this variant. It has therefore been classified as of uncertain significance.

Genetic Services Laboratory, University of Chicago
Classification: Uncertain significance. Last evaluated: 2019-11-26. Review status: criteria provided, single submitter. Criteria: ACMG Guidelines, 2015. Collection method: clinical testing. Allele origin: germline. Affected: no.

Natera, Inc.
Classification: Uncertain significance for Fanconi anemia. Last evaluated: 2018-04-28. Review status: no assertion criteria provided. Collection method: clinical testing. Allele origin: germline. Not counted in ClinVar's aggregate classification.

NM_000136.3(FANCC):c.1643G>A (p.Arg548Gln)

Genes: AOPEP (aminopeptidase O (putative); plus strand), FANCC (FA complementation group C; minus strand). Cytogenetic location: 9q22.32.
Variant type: single nucleotide variant.
Coding change: c.1643G>A on transcript NM_000136.3 (MANE Select); coding-DNA position 1643, G replaced by A.
Protein change: p.Arg548Gln; replaces arginine 548 with glutamine.
Molecular consequence: missense variant.
Genome position (GRCh38, 1-based): chr9:95,101,741, C>T on the plus strand (G>A on the coding strand, the complement: FANCC is on the minus strand). VCF-style: chr9-95101741-C-T. GRCh37 (hg19) VCF-style: chr9-97864023-C-T.
Other names: p.R548Q:CGA>CAA; c.1643G>A, p.Arg548Gln (NM_001243743.2); short protein forms R548Q.
Identifiers: ClinVar variation 182492 (VCV000182492.30), dbSNP rs730881729, ClinGen allele CA299203.
Genomic context (GRCh38, chr9:95,101,741, plus strand): 5'-GGGCACCCACACGGCCTGCGTGCCTTCTAGACTTGAGTTCGCAGCTCTTTAAGGAGCTCT[C>T]GGGCCAGTTTTTCTGATCTAGGGCTTTCAATGCCAAGACGATTCCATCTGTACAAGGTCT-3'
Protein context (NP_000127.2, residues 538-558): IESPRSEKLA[Arg548Gln]ELLKELRTQV